The following is an entry in ClinVar:

ClinVar aggregate classification (germline): Conflicting classifications of pathogenicity. Review status: criteria provided, conflicting classifications (1 of 4 stars). 5 submissions from 5 submitters: Uncertain significance (1); Benign (1); Likely benign (3). Last evaluated 2026-01-12.

Conditions:
Hereditary cancer-predisposing syndrome. Also called: Tumor predisposition; Neoplastic Syndromes, Hereditary; Hereditary neoplastic syndrome; Hereditary Cancer Syndrome. Identifiers: Orphanet 140162, MedGen C0027672, MeSH D009386, MONDO:0015356.
Hereditary breast ovarian cancer syndrome. Also called: Hereditary breast and ovarian cancer; Breast and ovarian cancer; Hereditary breast and/or ovarian cancer syndrome; BRCA1- and BRCA2-Associated Hereditary Breast and Ovarian Cancer; Hereditary breast and ovarian cancer syndrome; Hereditary breast and ovarian cancer syndrome (HBOC). Identifiers: Orphanet 145, MedGen C0677776, MeSH D061325, MONDO:0003582. Disease mechanism: loss of function.
Breast-ovarian cancer, familial, susceptibility to, 4. Identifiers: Orphanet 145, MedGen C3280345, MONDO:0013669, OMIM 614291.

Allele frequency attached by ClinVar (database versions not stated): gnomAD exomes below 0.00001.
gnomAD v4.1: 2 of 1,614,196 alleles (0.00012%); highest among the groups gnomAD compares: South Asian, 0.0011%; no homozygotes.

Submissions (5):

Labcorp Genetics (formerly Invitae), Labcorp
Classification: Likely benign for Breast-ovarian cancer, familial, susceptibility to, 4. Last evaluated: 2026-01-12. Review status: criteria provided, single submitter. Criteria: Invitae Variant Classification Sherloc (09022015). Collection method: clinical testing. Allele origin: germline.

Color Diagnostics, LLC DBA Color Health
Classification: Likely benign for Hereditary cancer-predisposing syndrome. Last evaluated: 2025-10-27. Review status: criteria provided, single submitter. Criteria: ACMG Guidelines, 2015. Collection method: clinical testing. Allele origin: germline.

Myriad Genetics, Inc.
Classification: Benign for Breast-ovarian cancer, familial, susceptibility to, 4. Last evaluated: 2025-02-20. Review status: criteria provided, single submitter. Criteria: Myriad Autosomal Dominant, Autosomal Recessive and X-Linked Classification Criteria (2023). Collection method: clinical testing. Allele origin: unknown.
Comment: This variant is considered benign. This variant is a silent/synonymous amino acid change and it is not expected to impact splicing.

Ambry Genetics
Classification: Likely benign for Hereditary cancer-predisposing syndrome. Last evaluated: 2020-10-26. Review status: criteria provided, single submitter. Criteria: Ambry Variant Classification Scheme 2023. Collection method: clinical testing. Allele origin: germline.

Mendelics
Classification: Uncertain significance for Hereditary breast and ovarian cancer syndrome. Last evaluated: 2018-07-02. Review status: criteria provided, single submitter. Criteria: Mendelics Assertion Criteria 2017. Collection method: clinical testing. Allele origin: unknown.

NM_002878.4(RAD51D):c.192C>T (p.Phe64=)

Genes: RAD51D (RAD51 paralog D; minus strand), RAD51L3-RFFL (RAD51L3-RFFL readthrough; minus strand). Cytogenetic location: 17q12.
Variant type: single nucleotide variant.
Coding change: c.192C>T on transcript NM_002878.4 (MANE Select); coding-DNA position 192, C replaced by T.
Protein change: p.Phe64=; no amino-acid change (phenylalanine 64 retained).
Molecular consequence: synonymous variant. On other transcripts: intron variant (2).
Genome position (GRCh38, 1-based): chr17:35,118,572, G>A on the plus strand (C>T on the coding strand, the complement: RAD51D is on the minus strand). VCF-style: chr17-35118572-G-A. GRCh37 (hg19) VCF-style: chr17-33445591-G-A.
Other names: c.144+539C>T (NM_133629.3, NM_001142571.2).
Identifiers: ClinVar variation 584941 (VCV000584941.13), dbSNP rs1567735397, ClinGen allele CA891844072.
Genomic context (GRCh38, chr17:35,118,572, plus strand): 5'-AGTGGACAGGATGGCAGTGGAGGTCTTCAGTTCCTCGTAGAGATCAGCGCCATTCACGGG[G>A]AAAGCCGAGAACTGAGCCAGCAGCACCCGCCTCAGGGCAACCAGGGCCTGCCAAAGGGCC-3'
Protein context (NP_002869.3, residues 54-74): RRVLLAQFSA[Phe64=]PVNGADLYEE